The following is an entry in ClinVar:

ClinVar aggregate classification (germline): Uncertain significance (1 of 4 stars; one submission).

Conditions:
Oculocutaneous albinism type 1. Also called: Albinism 1; ALBINISM I. Identifiers: Orphanet 352731, MedGen C0268494, MONDO:0018135. Disease mechanism: loss of function.

Submission:

Myriad Genetics, Inc.
Classification: Uncertain significance for Oculocutaneous albinism type 1. Last evaluated: 2026-06-22. Review status: criteria provided, single submitter. Criteria: Myriad Autosomal Dominant, Autosomal Recessive and X-Linked Classification Criteria (2023). Collection method: clinical testing. Allele origin: unknown.
Comment: NM_000372.4(TYR):c.1387_1389delTAC(Y463del) is an in-frame deletion classified as a variant of uncertain significance in the context of oculocutaneous albinism, TYR-related. Y463del has not been observed in cases with relevant disease. Relevant functional assessments of this variant are not available in the literature. Y463del has not been observed in referenced population frequency databases. In summary, there is insufficient evidence to classify NM_000372.4(TYR):c.1387_1389delTAC(Y463del) as pathogenic or benign. Please note: this variant was assessed in the context of healthy population screening.

NM_000372.5(TYR):c.1387_1389del (p.Tyr463del)

Gene: TYR (tyrosinase; plus strand). Cytogenetic location: 11q14.3.
Variant type: Deletion.
Coding change: c.1387_1389del on transcript NM_000372.5 (MANE Select); coding-DNA positions 1387 to 1389, 3 bases deleted (TAC; older notation c.1387_1389delTAC).
Protein change: p.Tyr463del; deletes tyrosine 463.
Molecular consequence: inframe deletion.
Genome position (GRCh38, 1-based): chr11:89,295,163-89,295,165, TAC deleted; deleting any 3 consecutive bases within chr11:89,295,161-89,295,165 gives the same sequence; the c. name uses the placement nearest the transcript's 3' end. VCF-style (leftmost placement, unchanged base first): chr11-89295160-GACT-G. GRCh37 (hg19) VCF-style: chr11-89028328-GACT-G.
Other names: short protein forms Y463del.
Identifiers: ClinVar variation 5004744 (VCV005004744.1).